The following is an entry in ClinVar:

NM_006031.6(PCNT):c.1000T>A (p.Ser334Thr)

Gene: PCNT (pericentrin; plus strand). Cytogenetic location: 21q22.3.
Variant type: single nucleotide variant.
Coding change: c.1000T>A on transcript NM_006031.6 (MANE Select); coding-DNA position 1000, T replaced by A.
Protein change: p.Ser334Thr; replaces serine 334 with threonine.
Molecular consequence: missense variant.
Genome position (GRCh38, 1-based): chr21:46,347,480, T>A. VCF-style: chr21-46347480-T-A. GRCh37 (hg19) VCF-style: chr21-47767394-T-A.
Other names: c.646T>A, p.Ser216Thr (NM_001315529.2); short protein forms S334T, S216T.
Identifiers: ClinVar variation 1361248 (VCV001361248.8), dbSNP rs772659788, ClinGen allele CA10078473.

ClinVar aggregate classification (germline): Uncertain significance (1 of 4 stars; one submission).

Allele frequency attached by ClinVar (database versions not stated): gnomAD exomes below 0.00001; ExAC 0.00001; TOPMed 0.00001.
gnomAD v4.1: 2 of 1,613,806 alleles (0.00012%); highest among the groups gnomAD compares: Non-Finnish European, 0.000085%; no homozygotes.

Submission:

Labcorp Genetics (formerly Invitae), Labcorp
Classification: Uncertain significance. Last evaluated: 2021-06-15. Review status: criteria provided, single submitter. Criteria: Invitae Variant Classification Sherloc (09022015). Collection method: clinical testing. Allele origin: germline.
Comment: This sequence change replaces serine with threonine at codon 334 of the PCNT protein (p.Ser334Thr). The serine residue is moderately conserved and there is a small physicochemical difference between serine and threonine. This variant is present in population databases (rs772659788, ExAC 0.001%). This variant has not been reported in the literature in individuals with PCNT-related conditions. Algorithms developed to predict the effect of missense changes on protein structure and function are either unavailable or do not agree on the potential impact of this missense change (SIFT: "Tolerated"; PolyPhen-2: "Possibly Damaging"; Align-GVGD: "Class C0"). In summary, the available evidence is currently insufficient to determine the role of this variant in disease. Therefore, it has been classified as a Variant of Uncertain Significance.